The following is an entry in ClinVar:

NM_004260.4(RECQL4):c.677C>G (p.Ala226Gly)

Gene: RECQL4 (RecQ like helicase 4; minus strand). Cytogenetic location: 8q24.3.
Variant type: single nucleotide variant.
Coding change: c.677C>G on transcript NM_004260.4 (MANE Select); coding-DNA position 677, C replaced by G.
Protein change: p.Ala226Gly; replaces alanine 226 with glycine.
Molecular consequence: missense variant.
Genome position (GRCh38, 1-based): chr8:144,516,442, G>C on the plus strand (C>G on the coding strand, the complement: RECQL4 is on the minus strand). VCF-style: chr8-144516442-G-C. GRCh37 (hg19) VCF-style: chr8-145741826-G-C.
Other names: short protein forms A226G.
Identifiers: ClinVar variation 839168 (VCV000839168.5), dbSNP rs763975196, ClinGen allele CA4949209.

ClinVar aggregate classification (germline): Uncertain significance. Review status: criteria provided, multiple submitters, no conflicts (2 of 4 stars). 2 submissions from 2 submitters: Uncertain significance (2). Last evaluated 2025-08-07.

Conditions:
Inborn genetic diseases. Identifiers: MedGen C0950123, MeSH D030342.
Baller-Gerold syndrome (BGS). Also called: CRANIOSYNOSTOSIS WITH RADIAL DEFECTS. Identifiers: Orphanet 1225, MedGen C0265308, MONDO:0009039, OMIM 218600.

gnomAD v4.1: 4 of 1,608,848 alleles (0.00025%); highest among the groups gnomAD compares: South Asian, 0.0044%; no homozygotes.

Submissions (2):

Ambry Genetics
Classification: Uncertain significance for Inborn genetic diseases. Last evaluated: 2025-08-07. Review status: criteria provided, single submitter. Criteria: Ambry Variant Classification Scheme 2023. Collection method: clinical testing. Allele origin: germline.
Comment: The p.A226G variant (also known as c.677C>G), located in coding exon 5 of the RECQL4 gene, results from a C to G substitution at nucleotide position 677. The alanine at codon 226 is replaced by glycine, an amino acid with similar properties. This amino acid position is conserved. In addition, this alteration is predicted to be tolerated by in silico analysis. Based on the available evidence, the clinical significance of this variant remains unclear.

Labcorp Genetics (formerly Invitae), Labcorp
Classification: Uncertain significance for Baller-Gerold syndrome. Last evaluated: 2025-06-23. Review status: criteria provided, single submitter. Criteria: Invitae Variant Classification Sherloc (09022015). Collection method: clinical testing. Allele origin: germline.
Comment: This sequence change replaces alanine, which is neutral and non-polar, with glycine, which is neutral and non-polar, at codon 226 of the RECQL4 protein (p.Ala226Gly). This variant is present in population databases (rs763975196, gnomAD 0.007%). This variant has not been reported in the literature in individuals affected with RECQL4-related conditions. ClinVar contains an entry for this variant (Variation ID: 839168). Invitae Evidence Modeling of protein sequence and biophysical properties (such as structural, functional, and spatial information, amino acid conservation, physicochemical variation, residue mobility, and thermodynamic stability) indicates that this missense variant is not expected to disrupt RECQL4 protein function with a negative predictive value of 80%. In summary, the available evidence is currently insufficient to determine the role of this variant in disease. Therefore, it has been classified as a Variant of Uncertain Significance.